The following is an entry in ClinVar:

NM_006231.4(POLE):c.578+4A>G

Gene: POLE (DNA polymerase epsilon, catalytic subunit; minus strand). Cytogenetic location: 12q24.33.
Variant type: single nucleotide variant.
Coding change: c.578+4A>G on transcript NM_006231.4 (MANE Select); 4 bases into the intron after coding-DNA position 578, A replaced by G.
Molecular consequence: intron variant.
Genome position (GRCh38, 1-based): chr12:132,679,493, T>C on the plus strand (A>G on the coding strand, the complement: POLE is on the minus strand). VCF-style: chr12-132679493-T-C. GRCh37 (hg19) VCF-style: chr12-133256079-T-C.
Identifiers: ClinVar variation 1017613 (VCV001017613.6), dbSNP rs1181206714, ClinGen allele CA608514533.

ClinVar aggregate classification (germline): Uncertain significance (1 of 4 stars; one submission).

Allele frequency attached by ClinVar (database versions not stated): gnomAD exomes below 0.00001.
gnomAD v4.1: 3 of 1,596,678 alleles (0.00019%); highest among the groups gnomAD compares: Non-Finnish European, 0.00017%; no homozygotes.

Submission:

Labcorp Genetics (formerly Invitae), Labcorp
Classification: Uncertain significance. Last evaluated: 2021-12-24. Review status: criteria provided, single submitter. Criteria: Invitae Variant Classification Sherloc (09022015). Collection method: clinical testing. Allele origin: germline.
Comment: In summary, the available evidence is currently insufficient to determine the role of this variant in disease. Therefore, it has been classified as a Variant of Uncertain Significance. Variants that disrupt the consensus splice site are a relatively common cause of aberrant splicing (PMID: 17576681, 9536098). Algorithms developed to predict the effect of sequence changes on RNA splicing suggest that this variant may create or strengthen a splice site. ClinVar contains an entry for this variant (Variation ID: 1017613). This variant has not been reported in the literature in individuals affected with POLE-related conditions. This variant is present in population databases (no rsID available, gnomAD 0.0009%). This sequence change falls in intron 6 of the POLE gene. It does not directly change the encoded amino acid sequence of the POLE protein. It affects a nucleotide within the consensus splice site.

Literature cited by the submitters: PubMed 17576681; PubMed 9536098.